The following is an entry in ClinVar:

NM_000540.3(RYR1):c.4115C>A (p.Ala1372Glu)

Gene: RYR1 (ryanodine receptor 1; plus strand). Cytogenetic location: 19q13.2.
Variant type: single nucleotide variant.
Coding change: c.4115C>A on transcript NM_000540.3 (MANE Select); coding-DNA position 4115, C replaced by A.
Protein change: p.Ala1372Glu; replaces alanine 1372 with glutamic acid.
Molecular consequence: missense variant.
Genome position (GRCh38, 1-based): chr19:38,473,726, C>A. VCF-style: chr19-38473726-C-A. GRCh37 (hg19) VCF-style: chr19-38964366-C-A.
Other names: c.4115C>A, p.Ala1372Glu (NM_001042723.2); short protein forms A1372E.
Identifiers: ClinVar variation 3070922 (VCV003070922.1), dbSNP rs370966353, ClinGen allele CA405643144.
Genomic context (GRCh38, chr19:38,473,726, plus strand): 5'-CGAAGGAGGGCGCCCCCGGGGGCACCCCGCAGGCGGGGGGAGAGGCGCAGCCCGCCAGGG[C>A]GGAGAATGAGAAGGATGCCACCACCGAGAAGAACAAGAAGAGAGGGTGAGTCGAGGGGGG-3'
Protein context (NP_000531.2, residues 1362-1382): QAGGEAQPAR[Ala1372Glu]ENEKDATTEK

ClinVar aggregate classification (germline): Uncertain significance (1 of 4 stars; one submission).

Conditions:
Malignant hyperthermia, susceptibility to, 1 (MHS1). Also called: Anesthesia related hyperthermia; Malignant hyperpyrexia; Fulminating hyperpyrexia; Pharmacogenic myopathy; RYR1-Related Malignant Hyperthermia Susceptibility; Malignant hyperthermia suceptibility 1. Identifiers: Orphanet 423, MedGen C2930980, MONDO:0007783, OMIM 145600.

Submission:

All of Us Research Program, National Institutes of Health
Classification: Uncertain significance for Malignant hyperthermia, susceptibility to, 1. Last evaluated: 2023-05-08. Review status: criteria provided, single submitter. Criteria: ACMG Guidelines, 2015. Collection method: clinical testing. Allele origin: germline. Inheritance: Autosomal dominant inheritance. Observed: 1 variant allele, 1 heterozygote.
Comment: This study involves interpretation of variants in research participants for the purpose of population health screening. Participant phenotype was not available at the time of variant classification. Additional details can be found in publication PMID: 35346344, PMCID: PMC8962531